The following is an entry in ClinVar:

NM_024496.4(IRF2BPL):c.345G>A (p.Gln115=)

Gene: IRF2BPL (interferon regulatory factor 2 binding protein like; minus strand). Cytogenetic location: 14q24.3.
Variant type: single nucleotide variant.
Coding change: c.345G>A on transcript NM_024496.4 (MANE Select); coding-DNA position 345, G replaced by A.
Protein change: p.Gln115=; no amino-acid change (glutamine 115 retained).
Molecular consequence: synonymous variant.
Genome position (GRCh38, 1-based): chr14:77,027,448, C>T on the plus strand (G>A on the coding strand, the complement: IRF2BPL is on the minus strand). VCF-style: chr14-77027448-C-T. GRCh37 (hg19) VCF-style: chr14-77493791-C-T.
Other names: p.Gln115=.
Identifiers: ClinVar variation 4683908 (VCV004683908.2).

ClinVar aggregate classification (germline): Benign/Likely benign. Review status: criteria provided, multiple submitters, no conflicts (2 of 4 stars). 2 submissions from 2 submitters: Benign (1); Likely benign (1). Last evaluated 2025-03-18.

gnomAD v4.1: 1,417 of 1,296,112 alleles (0.11%); highest among the groups gnomAD compares: South Asian, 0.32%; no homozygotes.

Submissions (2):

Mayo Clinic Laboratories, Mayo Clinic
Classification: Benign. Last evaluated: 2025-03-18. Review status: criteria provided, single submitter. Criteria: ACMG Guidelines, 2015. Collection method: clinical testing. Allele origin: germline. Observed: 2 variant alleles.
Comment: BS1, BS2, BP4, BP7

Blueprint Genetics
Classification: Likely benign. Last evaluated: 2024-11-13. Review status: criteria provided, single submitter. Criteria: ACMG Guidelines, 2015. Collection method: clinical testing. Allele origin: germline.